The following is an entry in ClinVar:

ClinVar aggregate classification (germline): Uncertain significance (1 of 4 stars; one submission).

Allele frequency attached by ClinVar (database versions not stated): gnomAD exomes below 0.00001; ExAC 0.00001; gnomAD 0.00001; TOPMed 0.00001; 1000 Genomes Project 30x 0.00016; 1000 Genomes Project 0.00020.
gnomAD v4.1: 4 of 1,613,746 alleles (0.00025%); highest among the groups gnomAD compares: African/African-American, 0.0027%; no homozygotes.

Submission:

Labcorp Genetics (formerly Invitae), Labcorp
Classification: Uncertain significance. Last evaluated: 2022-09-29. Review status: criteria provided, single submitter. Criteria: Invitae Variant Classification Sherloc (09022015). Collection method: clinical testing. Allele origin: germline.
Comment: In summary, the available evidence is currently insufficient to determine the role of this variant in disease. Therefore, it has been classified as a Variant of Uncertain Significance. Algorithms developed to predict the effect of sequence changes on RNA splicing suggest that this variant may disrupt the consensus splice site. This variant has not been reported in the literature in individuals affected with BEST1-related conditions. This variant is present in population databases (rs558776825, gnomAD 0.01%). This sequence change falls in intron 10 of the BEST1 gene. It does not directly change the encoded amino acid sequence of the BEST1 protein.

NM_004183.4(BEST1):c.1740-19A>G

Gene: BEST1 (bestrophin 1; plus strand). Cytogenetic location: 11q12.3.
Variant type: single nucleotide variant.
Coding change: c.1740-19A>G on transcript NM_004183.4 (MANE Select); 19 bases into the intron before coding-DNA position 1740, A replaced by G.
Molecular consequence: intron variant.
Genome position (GRCh38, 1-based): chr11:61,964,085, A>G. VCF-style: chr11-61964085-A-G. GRCh37 (hg19) VCF-style: chr11-61731557-A-G.
Other names: c.*936A>G (NM_001139443.3, NM_001363591.3, NM_001363593.3); c.*1826A>G (NM_001363592.2); c.1560-19A>G (NM_001300787.2); c.1479-19A>G (NM_001300786.2).
Identifiers: ClinVar variation 2110329 (VCV002110329.4), dbSNP rs558776825, ClinGen allele CA6041163.